The following is an entry in ClinVar:

ClinVar aggregate classification (germline): Uncertain significance. Review status: criteria provided, multiple submitters, no conflicts (2 of 4 stars). 2 submissions from 2 submitters: Uncertain significance (2). Last evaluated 2025-04-02.

Conditions:
Peroxisome biogenesis disorder. Identifiers: Orphanet 79189, MedGen C1832200, MONDO:0019234. Disease mechanism: loss of function.

Submissions (2):

Labcorp Genetics (formerly Invitae), Labcorp
Classification: Uncertain significance for Peroxisome biogenesis disorder. Last evaluated: 2025-04-02. Review status: criteria provided, single submitter. Criteria: Invitae Variant Classification Sherloc (09022015). Collection method: clinical testing. Allele origin: germline.
Comment: This sequence change replaces alanine, which is neutral and non-polar, with serine, which is neutral and polar, at codon 94 of the PEX6 protein (p.Ala94Ser). This variant is not present in population databases (gnomAD no frequency). This variant has not been reported in the literature in individuals affected with PEX6-related conditions. ClinVar contains an entry for this variant (Variation ID: 3068860). An algorithm developed to predict the effect of missense changes on protein structure and function (PolyPhen-2) suggests that this variant is likely to be disruptive. This variant disrupts the p.Ala94 amino acid residue in PEX6. Other variant(s) that disrupt this residue have been observed in individuals with PEX6-related conditions (PMID: 15542397, 29047053), which suggests that this may be a clinically significant amino acid residue. In summary, the available evidence is currently insufficient to determine the role of this variant in disease. Therefore, it has been classified as a Variant of Uncertain Significance.

Women's Health and Genetics/Laboratory Corporation of America, LabCorp
Classification: Uncertain significance. Last evaluated: 2024-02-20. Review status: criteria provided, single submitter. Criteria: LabCorp Variant Classification Summary - May 2015. Collection method: clinical testing. Allele origin: germline.
Comment: Variant summary: PEX6 c.280G>T (p.Ala94Ser) results in a conservative amino acid change in the encoded protein sequence. Four of four in-silico tools predict a benign effect of the variant on protein function. The variant was absent in 91434 control chromosomes. The available data on variant occurrences in the general population are insufficient to allow any conclusion about variant significance. To our knowledge, no occurrence of c.280G>T in individuals affected with Peroxisome Biogenesis Disorder and no experimental evidence demonstrating its impact on protein function have been reported. No submitters have cited clinical-significance assessments for this variant to ClinVar. Based on the evidence outlined above, the variant was classified as uncertain significance.

Literature cited by the submitters: PubMed 15542397 (cited by Labcorp Genetics (formerly Invitae), Labcorp); PubMed 29047053 (cited by Labcorp Genetics (formerly Invitae), Labcorp).

NM_000287.4(PEX6):c.280G>T (p.Ala94Ser)

Gene: PEX6 (peroxisomal biogenesis factor 6; minus strand). Cytogenetic location: 6p21.1.
Variant type: single nucleotide variant.
Coding change: c.280G>T on transcript NM_000287.4 (MANE Select); coding-DNA position 280, G replaced by T.
Protein change: p.Ala94Ser; replaces alanine 94 with serine.
Molecular consequence: missense variant. On other transcripts: non-coding transcript variant (1).
Genome position (GRCh38, 1-based): chr6:42,978,871, C>A on the plus strand (G>T on the coding strand, the complement: PEX6 is on the minus strand). VCF-style: chr6-42978871-C-A. GRCh37 (hg19) VCF-style: chr6-42946609-C-A.
Other names: c.280G>T, p.Ala94Ser (NM_001316313.2); short protein forms A94S.
Identifiers: ClinVar variation 3068860 (VCV003068860.3), dbSNP rs1770433664, ClinGen allele CA364167407.